The following is an entry in ClinVar:

ClinVar aggregate classification (germline): Uncertain significance. Review status: reviewed by expert panel (3 of 4 stars). 5 submissions from 5 submitters: Uncertain significance (1). 4 of the submissions do not count toward it. Last evaluated 2024-03-15.

Conditions:
Hereditary hemorrhagic telangiectasia (HHT). Also called: ORW DISEASE; Osler Weber Rendu syndrome; OSLER-RENDU-WEBER DISEASE; Osler hemorrhagic telangiectasia syndrome. Identifiers: Orphanet 774, MedGen C0039445, MONDO:0019180. Disease mechanism: loss of function.
Telangiectasia, hereditary hemorrhagic, type 1 (HHT1). Also called: Osler Weber Rendu syndrome type 1; ENG-Related Hereditary Hemorrhagic Telangiectasia. Identifiers: Orphanet 774, MedGen C4551861, MONDO:0008535, OMIM 187300. Disease mechanism: loss of function.

Allele frequency attached by ClinVar (database versions not stated): TOPMed 0.00003; gnomAD 0.00004 and 0.00005.
gnomAD v4.1: 49 of 1,614,076 alleles (0.003%); highest among the groups gnomAD compares: Admixed American, 0.032%; no homozygotes.

Submissions (5):

ClinGen Hereditary Hemorrhagic Telangiectasia Variant Curation Expert Panel, ClinGen
Classification: Uncertain significance for Telangiectasia, hereditary hemorrhagic, type 1. Last evaluated: 2024-03-15. Review status: reviewed by expert panel. Criteria: ClinGen HHT ACMG Specifications ENG V1.1.0. Collection method: curation. Allele origin: germline. Inheritance: Autosomal dominant inheritance.
Comment: The NM_001114753.3: c.1711C>T variant in ENG is a missense variant predicted to cause substitution of arginine by cysteine at amino acid 571 (p.Arg571Cys). The highest population minor allele frequency in gnomAD v2.1.1 is 0.0004233 (15/35434 alleles) in the Admixed American population. The computational predictor REVEL gives a score of 0.31, which is neither above nor below the thresholds predicting a damaging or benign impact on ENG function. In summary, this variant meets the criteria to be classified as a variant of uncertain significance for autosomal dominant hereditary hemorrhagic telangiectasia based on the ACMG/AMP criteria applied, as specified by the ClinGen Hereditary Hemorrhagic Telangiectasia Variant Curation Expert Panel: None (specification version 1.0.0; 1/4/2024).

Labcorp Genetics (formerly Invitae), Labcorp
Classification: Likely benign for Hereditary hemorrhagic telangiectasia. Last evaluated: 2024-09-23. Review status: criteria provided, single submitter. Criteria: Invitae Variant Classification Sherloc (09022015). Collection method: clinical testing. Allele origin: germline. Not counted in ClinVar's aggregate classification.

Fulgent Genetics
Classification: Uncertain significance for Telangiectasia, hereditary hemorrhagic, type 1. Last evaluated: 2021-11-24. Review status: criteria provided, single submitter. Criteria: ACMG Guidelines, 2015. Collection method: clinical testing. Allele origin: unknown. Not counted in ClinVar's aggregate classification.

Laboratory for Molecular Medicine, Mass General Brigham Personalized Medicine
Classification: Uncertain significance. Last evaluated: 2016-06-23. Review status: criteria provided, single submitter. Criteria: LMM Criteria. Collection method: clinical testing. Allele origin: germline. Not counted in ClinVar's aggregate classification.
Comment: Variant identified in a genome or exome case(s) and assessed due to predicted null impact of the variant or pathogenic assertions in the literature or databases. Disclaimer: This variant has not undergone full assessment.

Eurofins Ntd Llc (ga)
Classification: Uncertain significance. Last evaluated: 2015-09-17. Review status: criteria provided, single submitter. Criteria: EGL Classification Definitions 2015. Collection method: clinical testing. Allele origin: germline. Observed: 2 variant alleles, 2 heterozygotes. Not counted in ClinVar's aggregate classification.

NM_001114753.3(ENG):c.1711C>T (p.Arg571Cys)

Genes: ENG (endoglin; minus strand), LOC102723566 (uncharacterized LOC102723566; plus strand). Cytogenetic location: 9q34.11.
Variant type: single nucleotide variant.
Coding change: c.1711C>T on transcript NM_001114753.3 (MANE Select); coding-DNA position 1711, C replaced by T.
Protein change: p.Arg571Cys; replaces arginine 571 with cysteine.
Molecular consequence: missense variant. On other transcripts: non-coding transcript variant (1).
Genome position (GRCh38, 1-based): chr9:127,817,179, G>A on the plus strand (C>T on the coding strand, the complement: ENG is on the minus strand). VCF-style: chr9-127817179-G-A. GRCh37 (hg19) VCF-style: chr9-130579458-G-A.
Other names: NM_001114753.3(ENG):c.1711C>T; c.1711C>T, p.Arg571Cys (NM_000118.4); c.1165C>T, p.Arg389Cys (NM_001278138.2); short protein forms R571C, R389C.
Identifiers: ClinVar variation 282707 (VCV000282707.18), dbSNP rs764262721, ClinGen allele CA5252673.